The following is an entry in ClinVar:

NM_133259.4(LRPPRC):c.205C>T (p.Gln69Ter)

Gene: LRPPRC (leucine rich pentatricopeptide repeat containing; minus strand). Cytogenetic location: 2p21.
Variant type: single nucleotide variant.
Coding change: c.205C>T on transcript NM_133259.4 (MANE Select); coding-DNA position 205, C replaced by T.
Protein change: p.Gln69Ter; replaces glutamine 69 with a stop codon.
Molecular consequence: nonsense.
Genome position (GRCh38, 1-based): chr2:43,982,379, G>A on the plus strand (C>T on the coding strand, the complement: LRPPRC is on the minus strand). VCF-style: chr2-43982379-G-A. GRCh37 (hg19) VCF-style: chr2-44209518-G-A.
Other names: c.205C>T (NM_133259.3); short protein forms Q69*.
Identifiers: ClinVar variation 2676312 (VCV002676312.2), dbSNP rs776095587, ClinGen allele CA46449046.

ClinVar aggregate classification (germline): Likely pathogenic. Review status: criteria provided, multiple submitters, no conflicts (2 of 4 stars). 2 submissions from 2 submitters: Likely pathogenic (2). Last evaluated 2025-07-17.

Conditions:
Congenital lactic acidosis, Saguenay-Lac-Saint-Jean type (MC4DN5). Also called: CYTOCHROME c OXIDASE DEFICIENCY, FRENCH CANADIAN TYPE; COX DEFICIENCY, FRENCH CANADIAN TYPE; MITOCHONDRIAL COMPLEX IV DEFICIENCY, NUCLEAR TYPE 5. Identifiers: Orphanet 70472, MedGen C1857355, MONDO:0009069, OMIM 220111.

Submissions (2):

Natera, Inc.
Classification: Likely pathogenic for French-Canadian type Leigh syndrome. Last evaluated: 2025-07-17. Review status: criteria provided, single submitter. Criteria: Natera Variant Classification Schema (03/2026). Collection method: clinical testing. Allele origin: germline.
Comment: The c.205C>T variant in LRPPRC is a nonsense variant predicted to introduce a stop codon at amino acid 69. This variant is expected to result in nonsense mediated decay, truncation, or a dysfunctional protein product. This variant is rare in the general population with a frequency below the threshold expected for the associated phenotype(s). Given the available evidence, this variant is classified as Likely Pathogenic.

Baylor Genetics
Classification: Likely pathogenic for Congenital lactic acidosis, Saguenay-Lac-Saint-Jean type. Last evaluated: 2023-05-09. Review status: criteria provided, single submitter. Criteria: ACMG Guidelines, 2015. Collection method: clinical testing. Allele origin: unknown.